The following is an entry in ClinVar:

ClinVar aggregate classification (germline): Uncertain significance. Review status: criteria provided, multiple submitters, no conflicts (2 of 4 stars). 2 submissions from 2 submitters: Uncertain significance (2). Last evaluated 2025-06-08.

Conditions:
Hereditary cancer-predisposing syndrome. Also called: Neoplastic Syndromes, Hereditary; Tumor predisposition; Hereditary neoplastic syndrome; Hereditary Cancer Syndrome. Identifiers: Orphanet 140162, MedGen C0027672, MeSH D009386, MONDO:0015356.

Submissions (2):

Ambry Genetics
Classification: Uncertain significance for Hereditary cancer-predisposing syndrome. Last evaluated: 2025-06-08. Review status: criteria provided, single submitter. Criteria: Ambry Variant Classification Scheme 2023. Collection method: clinical testing. Allele origin: germline.
Comment: The p.Q531P variant (also known as c.1592A>C), located in coding exon 11 of the CTNNA1 gene, results from an A to C substitution at nucleotide position 1592. The glutamine at codon 531 is replaced by proline, an amino acid with similar properties. This amino acid position is conserved. In addition, this alteration is predicted to be deleterious by in silico analysis. Based on the available evidence, the clinical significance of this variant remains unclear.

Labcorp Genetics (formerly Invitae), Labcorp
Classification: Uncertain significance. Last evaluated: 2023-05-25. Review status: criteria provided, single submitter. Criteria: Invitae Variant Classification Sherloc (09022015). Collection method: clinical testing. Allele origin: germline.
Comment: In summary, the available evidence is currently insufficient to determine the role of this variant in disease. Therefore, it has been classified as a Variant of Uncertain Significance. This sequence change replaces glutamine, which is neutral and polar, with proline, which is neutral and non-polar, at codon 531 of the CTNNA1 protein (p.Gln531Pro). This variant has not been reported in the literature in individuals affected with CTNNA1-related conditions. Algorithms developed to predict the effect of sequence changes on RNA splicing suggest that this variant may create or strengthen a splice site. Advanced modeling of protein sequence and biophysical properties (such as structural, functional, and spatial information, amino acid conservation, physicochemical variation, residue mobility, and thermodynamic stability) performed at Invitae indicates that this missense variant is expected to disrupt CTNNA1 protein function. This variant is not present in population databases (gnomAD no frequency).

NM_001903.5(CTNNA1):c.1592A>C (p.Gln531Pro)

Gene: CTNNA1 (catenin alpha 1; plus strand). Cytogenetic location: 5q31.2.
Variant type: single nucleotide variant.
Coding change: c.1592A>C on transcript NM_001903.5 (MANE Select); coding-DNA position 1592, A replaced by C.
Protein change: p.Gln531Pro; replaces glutamine 531 with proline.
Molecular consequence: missense variant.
Genome position (GRCh38, 1-based): chr5:138,924,555, A>C. VCF-style: chr5-138924555-A-C. GRCh37 (hg19) VCF-style: chr5-138260244-A-C.
Other names: c.1592A>C, p.Gln531Pro (NM_001290307.3, NM_001323982.2, NM_001323983.1 and 2 more transcripts); c.1283A>C, p.Gln428Pro (NM_001290309.3); c.1223A>C, p.Gln408Pro (NM_001290310.3); c.482A>C, p.Gln161Pro (NM_001290312.1, NM_001323987.1, NM_001323988.1 and 17 more transcripts); c.1499A>C, p.Gln500Pro (NM_001323986.2); c.143A>C, p.Gln48Pro (NM_001324006.1, NM_001324007.1, NM_001324008.1 and 2 more transcripts); c.389A>C, p.Gln130Pro (NM_001324011.1); c.239A>C, p.Gln80Pro (NM_001324012.1, NM_001324013.1); and 1 more; short protein forms Q161P, Q428P, Q130P, Q408P, Q531P, Q48P, Q500P, Q80P.
Identifiers: ClinVar variation 3015733 (VCV003015733.4), dbSNP rs2533708266, ClinGen allele CA361131776.
Genomic context (GRCh38, chr5:138,924,555, plus strand): 5'-TTGCTTGTTCTCCAGAGAATCACATTTTGGAAGATGTGAACAAATGTGTCATTGCTCTCC[A>C]AGAGAAGGATGTGGATGGCCTGGACCGCACAGCTGGTGCAATTCGAGGCCGGGCAGCCCG-3'
Protein context (NP_001894.2, residues 521-541): EDVNKCVIAL[Gln531Pro]EKDVDGLDRT